The following is an entry in ClinVar:

ClinVar aggregate classification (germline): Uncertain significance. Review status: criteria provided, multiple submitters, no conflicts (2 of 4 stars). 2 submissions from 2 submitters: Uncertain significance (2). Last evaluated 2025-11-23.

Conditions:
Hereditary cancer-predisposing syndrome. Also called: Hereditary Cancer Syndrome; Hereditary neoplastic syndrome; Neoplastic Syndromes, Hereditary; Tumor predisposition. Identifiers: Orphanet 140162, MedGen C0027672, MeSH D009386, MONDO:0015356.
Oligodontia-cancer predisposition syndrome. Also called: TOOTH AGENESIS-COLORECTAL CANCER SYNDROME. Identifiers: Orphanet 300576, MedGen C1837750, MONDO:0012075, OMIM 608615. Disease mechanism: loss of function.

gnomAD v4.1: 5 of 1,604,376 alleles (0.00031%); highest among the groups gnomAD compares: Non-Finnish European, 0.00043%; no homozygotes.

Submissions (2):

Labcorp Genetics (formerly Invitae), Labcorp
Classification: Uncertain significance for Oligodontia-cancer predisposition syndrome. Last evaluated: 2025-11-23. Review status: criteria provided, single submitter. Criteria: Invitae Variant Classification Sherloc (09022015). Collection method: clinical testing. Allele origin: germline.
Comment: This sequence change replaces serine, which is neutral and polar, with tyrosine, which is neutral and polar, at codon 52 of the AXIN2 protein (p.Ser52Tyr). This variant is not present in population databases (gnomAD no frequency). This variant has not been reported in the literature in individuals affected with AXIN2-related conditions. ClinVar contains an entry for this variant (Variation ID: 1775221). Invitae Evidence Modeling of protein sequence and biophysical properties (such as structural, functional, and spatial information, amino acid conservation, physicochemical variation, residue mobility, and thermodynamic stability) indicates that this missense variant is not expected to disrupt AXIN2 protein function with a negative predictive value of 80%. In summary, the available evidence is currently insufficient to determine the role of this variant in disease. Therefore, it has been classified as a Variant of Uncertain Significance.

Ambry Genetics
Classification: Uncertain significance for Hereditary cancer-predisposing syndrome. Last evaluated: 2024-04-10. Review status: criteria provided, single submitter. Criteria: Ambry Variant Classification Scheme 2023. Collection method: clinical testing. Allele origin: germline.
Comment: The p.S52Y variant (also known as c.155C>A), located in coding exon 1 of the AXIN2 gene, results from a C to A substitution at nucleotide position 155. The serine at codon 52 is replaced by tyrosine, an amino acid with dissimilar properties. This amino acid position is conserved. In addition, this alteration is predicted to be tolerated by in silico analysis. Since supporting evidence is limited at this time, the clinical significance of this alteration remains unclear.

NM_004655.4(AXIN2):c.155C>A (p.Ser52Tyr)

Gene: AXIN2 (axin 2; minus strand). Cytogenetic location: 17q24.1.
Variant type: single nucleotide variant.
Coding change: c.155C>A on transcript NM_004655.4 (MANE Select); coding-DNA position 155, C replaced by A.
Protein change: p.Ser52Tyr; replaces serine 52 with tyrosine.
Molecular consequence: missense variant.
Genome position (GRCh38, 1-based): chr17:65,558,466, G>T on the plus strand (C>A on the coding strand, the complement: AXIN2 is on the minus strand). VCF-style: chr17-65558466-G-T. GRCh37 (hg19) VCF-style: chr17-63554584-G-T.
Other names: c.155C>A, p.Ser52Tyr (NM_001363813.1); short protein forms S52Y.
Identifiers: ClinVar variation 1775221 (VCV001775221.6), dbSNP rs2044308792, ClinGen allele CA400682006.